The following is an entry in ClinVar:

NM_006929.5(SKIC2):c.509G>A (p.Arg170Gln)

Gene: SKIC2 (SKI2 subunit of superkiller complex; plus strand). Cytogenetic location: 6p21.33.
Variant type: single nucleotide variant.
Coding change: c.509G>A on transcript NM_006929.5 (MANE Select); coding-DNA position 509, G replaced by A.
Protein change: p.Arg170Gln; replaces arginine 170 with glutamine.
Molecular consequence: missense variant.
Genome position (GRCh38, 1-based): chr6:31,960,705, G>A. VCF-style: chr6-31960705-G-A. GRCh37 (hg19) VCF-style: chr6-31928482-G-A.
Other names: short protein forms R170Q.
Identifiers: ClinVar variation 2122256 (VCV002122256.1), dbSNP rs1257140154, ClinGen allele CA363440486.

ClinVar aggregate classification (germline): Uncertain significance (1 of 4 stars; one submission).

Allele frequency attached by ClinVar (database versions not stated): gnomAD exomes below 0.00001.
gnomAD v4.1: 4 of 1,581,132 alleles (0.00025%); highest among the groups gnomAD compares: Non-Finnish European, 0.00034%; no homozygotes.

Submission:

Labcorp Genetics (formerly Invitae), Labcorp
Classification: Uncertain significance. Last evaluated: 2022-04-06. Review status: criteria provided, single submitter. Criteria: Invitae Variant Classification Sherloc (09022015). Collection method: clinical testing. Allele origin: germline.
Comment: This sequence change replaces arginine, which is basic and polar, with glutamine, which is neutral and polar, at codon 170 of the SKIV2L protein (p.Arg170Gln). This variant is not present in population databases (gnomAD no frequency). This variant has not been reported in the literature in individuals affected with SKIV2L-related conditions. Algorithms developed to predict the effect of missense changes on protein structure and function output the following: SIFT: "Tolerated"; PolyPhen-2: "Benign"; Align-GVGD: "Class C0". The glutamine amino acid residue is found in multiple mammalian species, which suggests that this missense change does not adversely affect protein function. In summary, the available evidence is currently insufficient to determine the role of this variant in disease. Therefore, it has been classified as a Variant of Uncertain Significance.